The following is an entry in ClinVar:

ClinVar aggregate classification (germline): Uncertain significance. Review status: criteria provided, multiple submitters, no conflicts (2 of 4 stars). 3 submissions from 3 submitters: Uncertain significance (3). Last evaluated 2025-11-10.

Conditions:
Asphyxiating thoracic dystrophy 3. Also called: SHORT-RIB THORACIC DYSPLASIA 3 WITH OR WITHOUT POLYDACTYLY; POLYDACTYLY WITH NEONATAL CHONDRODYSTROPHY, TYPE I; SHORT-RIB THORACIC DYSPLASIA 3/6 WITH POLYDACTYLY, DIGENIC; Short rib polydactyly syndrome 2B; Saldino-Noonan Syndrome. Identifiers: Orphanet 474, Orphanet 93269, Orphanet 93270, Orphanet 93271, MedGen C0036069, MONDO:0013127, OMIM 613091.

gnomAD v4.1: 14 of 1,612,654 alleles (0.00087%); highest among the groups gnomAD compares: Admixed American, 0.0017%; no homozygotes.

Submissions (3):

Myriad Genetics, Inc.
Classification: Uncertain significance for Asphyxiating thoracic dystrophy 3. Last evaluated: 2025-11-10. Review status: criteria provided, single submitter. Criteria: Myriad Autosomal Dominant, Autosomal Recessive and X-Linked Classification Criteria (2023). Collection method: clinical testing. Allele origin: unknown.
Comment: NM_001377.2(DYNC2H1):c.6809G>A(R2270Q) is a missense variant classified as a variant of uncertain significance in the context of DYNC2H1-related disorders. R2270Q has been observed in a case with relevant disease (PMID: 38062428). Relevant functional assessments of this variant are not available in the literature. R2270Q has not been observed in referenced population frequency databases. In summary, there is insufficient evidence to classify NM_001377.2(DYNC2H1):c.6809G>A(R2270Q) as pathogenic or benign. Please note: this variant was assessed in the context of healthy population screening.

Blueprint Genetics
Classification: Uncertain significance. Last evaluated: 2023-10-13. Review status: criteria provided, single submitter. Criteria: ACMG Guidelines, 2015. Collection method: clinical testing. Allele origin: germline.

Juno Genomics, Hangzhou Juno Genomics, Inc
Classification: Uncertain significance for Asphyxiating thoracic dystrophy 3. Review status: criteria provided, single submitter. Criteria: ACMG Guidelines, 2015. Collection method: clinical testing. Allele origin: germline.
Comment: Absent from controls (or at extremely low frequency if recessive) in Genome Aggregation Database.;Multiple lines of computational evidence support a deleterious effect on the gene or gene product.;For recessive disorders, detected in trans with a pathogenic variant.;Patient's phenotype or family history is highly specific for a disease with a single genetic etiology.

Literature cited by the submitters: PubMed 38062428 (cited by Myriad Genetics, Inc.).

NM_001377.3(DYNC2H1):c.6809G>A (p.Arg2270Gln)

Gene: DYNC2H1 (dynein cytoplasmic 2 heavy chain 1; plus strand). Cytogenetic location: 11q22.3.
Variant type: single nucleotide variant.
Coding change: c.6809G>A on transcript NM_001377.3 (MANE Select); coding-DNA position 6809, G replaced by A.
Protein change: p.Arg2270Gln; replaces arginine 2270 with glutamine.
Molecular consequence: missense variant.
Genome position (GRCh38, 1-based): chr11:103,186,417, G>A. VCF-style: chr11-103186417-G-A. GRCh37 (hg19) VCF-style: chr11-103057146-G-A.
Other names: c.6809G>A, p.Arg2270Gln (NM_001080463.2); short protein forms R2270Q.
Identifiers: ClinVar variation 4913747 (VCV004913747.5).